The following is an entry in ClinVar:

ClinVar aggregate classification (germline): Uncertain significance (1 of 4 stars; one submission).

Submission:

Labcorp Genetics (formerly Invitae), Labcorp
Classification: Uncertain significance. Last evaluated: 2022-04-09. Review status: criteria provided, single submitter. Criteria: Invitae Variant Classification Sherloc (09022015). Collection method: clinical testing. Allele origin: germline.
Comment: In summary, the available evidence is currently insufficient to determine the role of this variant in disease. Therefore, it has been classified as a Variant of Uncertain Significance. This variant has not been reported in the literature in individuals affected with ATP5G3-related conditions. This variant is not present in population databases (gnomAD no frequency). This sequence change creates a premature translational stop signal (p.Leu13Aspfs*23) in the ATP5G3 gene. It is expected to result in an absent or disrupted protein product. However, the current clinical and genetic evidence is not sufficient to establish whether loss-of-function variants in ATP5G3 cause disease.

NM_001689.5(ATP5MC3):c.37_38del (p.Leu13fs)

Gene: ATP5MC3 (ATP synthase membrane subunit c locus 3; minus strand). Cytogenetic location: 2q31.1.
Variant type: Microsatellite.
Coding change: c.37_38del on transcript NM_001689.5 (MANE Select); coding-DNA positions 37 to 38, 2 bases deleted (CT; older notation c.37_38delCT).
Protein change: p.Leu13fs; shifts the reading frame from leucine 13.
Molecular consequence: frameshift variant.
Genome position (GRCh38, 1-based): chr2:175,181,356-175,181,357, AG deleted on the plus strand (CT on the coding strand, the reverse complement: ATP5MC3 is on the minus strand); deleting any 2 consecutive bases within chr2:175,181,356-175,181,361 gives the same sequence; the c. name uses the placement nearest the transcript's 3' end. VCF-style (leftmost placement, unchanged base first): chr2-175181355-CAG-C. GRCh37 (hg19) VCF-style: chr2-176046083-CAG-C.
Other names: c.37_38del, p.Leu13fs (NM_001002258.5, NM_001190329.2); short protein forms L13fs.
Identifiers: ClinVar variation 1941038 (VCV001941038.5), dbSNP rs2469877306, ClinGen allele CA2580614417.